The following is an entry in ClinVar:

NM_000553.6(WRN):c.1897T>A (p.Leu633Ile)

Gene: WRN (WRN RecQ like helicase; plus strand). Cytogenetic location: 8p12.
Variant type: single nucleotide variant.
Coding change: c.1897T>A on transcript NM_000553.6 (MANE Select); coding-DNA position 1897, T replaced by A.
Protein change: p.Leu633Ile; replaces leucine 633 with isoleucine.
Molecular consequence: missense variant.
Genome position (GRCh38, 1-based): chr8:31,091,897, T>A. VCF-style: chr8-31091897-T-A. GRCh37 (hg19) VCF-style: chr8-30949413-T-A.
Other names: short protein forms L633I.
Identifiers: ClinVar variation 1391645 (VCV001391645.8), dbSNP rs2130179043, ClinGen allele CA370928555.

ClinVar aggregate classification (germline): Uncertain significance (1 of 4 stars; one submission).

Conditions:
Werner syndrome (WRN). Identifiers: Orphanet 902, MedGen C0043119, MONDO:0010196, OMIM 277700.

Submission:

Labcorp Genetics (formerly Invitae), Labcorp
Classification: Uncertain significance for Werner syndrome. Last evaluated: 2024-12-02. Review status: criteria provided, single submitter. Criteria: Invitae Variant Classification Sherloc (09022015). Collection method: clinical testing. Allele origin: germline.
Comment: This sequence change replaces leucine with isoleucine at codon 633 of the WRN protein (p.Leu633Ile). The leucine residue is weakly conserved and there is a small physicochemical difference between leucine and isoleucine. This variant is not present in population databases (gnomAD no frequency). This variant has not been reported in the literature in individuals affected with WRN-related conditions. ClinVar contains an entry for this variant (Variation ID: 1391645). An algorithm developed to predict the effect of missense changes on protein structure and function (PolyPhen-2) suggests that this variant is likely to be disruptive. In summary, the available evidence is currently insufficient to determine the role of this variant in disease. Therefore, it has been classified as a Variant of Uncertain Significance.